The following is an entry in ClinVar:

ClinVar aggregate classification (germline): Uncertain significance (1 of 4 stars; one submission).

Submission:

Labcorp Genetics (formerly Invitae), Labcorp
Classification: Uncertain significance. Last evaluated: 2022-11-15. Review status: criteria provided, single submitter. Criteria: Invitae Variant Classification Sherloc (09022015). Collection method: clinical testing. Allele origin: germline.
Comment: This variant has not been reported in the literature in individuals affected with OPHN1-related conditions. Algorithms developed to predict the effect of missense changes on protein structure and function are either unavailable or do not agree on the potential impact of this missense change (SIFT: "Deleterious"; PolyPhen-2: "Probably Damaging"; Align-GVGD: "Class C0"). In summary, the available evidence is currently insufficient to determine the role of this variant in disease. Therefore, it has been classified as a Variant of Uncertain Significance. This variant is not present in population databases (gnomAD no frequency). This sequence change replaces leucine, which is neutral and non-polar, with proline, which is neutral and non-polar, at codon 348 of the OPHN1 protein (p.Leu348Pro).

NM_002547.3(OPHN1):c.1043T>C (p.Leu348Pro)

Gene: OPHN1 (oligophrenin 1; minus strand). Cytogenetic location: Xq12.
Variant type: single nucleotide variant.
Coding change: c.1043T>C on transcript NM_002547.3 (MANE Select); coding-DNA position 1043, T replaced by C.
Protein change: p.Leu348Pro; replaces leucine 348 with proline.
Molecular consequence: missense variant.
Genome position (GRCh38, 1-based): chrX:68,197,247, A>G on the plus strand (T>C on the coding strand, the complement: OPHN1 is on the minus strand). VCF-style: chrX-68197247-A-G. GRCh37 (hg19) VCF-style: chrX-67417089-A-G.
Other names: short protein forms L348P.
Identifiers: ClinVar variation 2015495 (VCV002015495.4), dbSNP rs2519789781, ClinGen allele CA413433215.